The following is an entry in ClinVar:

ClinVar aggregate classification (germline): Pathogenic/Likely pathogenic. Review status: criteria provided, multiple submitters, no conflicts (2 of 4 stars). 8 submissions from 8 submitters: Pathogenic (1); Likely pathogenic (7). Last evaluated 2026-09-02.

Conditions:
Retinal dystrophy. Also called: Inherited retinal dystrophy. Identifiers: Orphanet 71862, MedGen C0854723, MeSH D058499, MONDO:0019118, HP:0000556.
Cone-rod dystrophy 3 (CORD3). Identifiers: Orphanet 1872, MedGen C1858806, MONDO:0011395, OMIM 604116.
ABCA4-related disorder. Also called: ABCA4-related condition; ABCA4-related disorders. Identifiers: MedGen CN239167.
Severe early-childhood-onset retinal dystrophy (STGD1). Also called: Stargardt macular dystrophy; Juvenile onset macular degeneration; Stargardt disease 1; MACULAR DYSTROPHY WITH FLECKS, TYPE 1; STGD. Identifiers: Orphanet 364055, Orphanet 827, MedGen C1855465, MeSH D000080362, MONDO:0009549, OMIM 248200.
Retinitis pigmentosa 19 (RP19). Also called: ABCA4-Related Retinitis Pigmentosa. Identifiers: Orphanet 791, MedGen C1866422, MONDO:0011137, OMIM 601718.
Age related macular degeneration 2. Also called: MACULAR DEGENERATION, SENILE; MACULOPATHY, AGE-RELATED, 2; MACULOPATHY, AGE-RELATED. Identifiers: MedGen C3495438, MONDO:0007932, OMIM 153800.

Allele frequency attached by ClinVar (database versions not stated): ExAC 0.00006; gnomAD exomes 0.00008 and 0.00012; TOPMed 0.00011; ESP Exome Variant Server 0.00008; gnomAD 0.00004.
gnomAD v4.1: 186 of 1,614,006 alleles (0.012%); highest among the groups gnomAD compares: Middle Eastern, 0.12%; no homozygotes.

Submissions (8):

PreventionGenetics, part of Exact Sciences
Classification: Likely pathogenic for ABCA4-related condition. Last evaluated: 2026-09-02. Review status: criteria provided, single submitter. Criteria: ACMG Guidelines, 2015. Collection method: clinical testing. Allele origin: germline.
Comment: The ABCA4 c.5642C>T variant is predicted to result in the amino acid substitution p.Ala1881Val. This variant has been reported with other causative ABCA4 variants in multiple individuals with Stargardt disease (Testa et al. 2012. PubMed ID: 22661472; Nassisi et al. 2018. PubMed ID: 30060493; Table S1, Weisschuh et al. 2024. PubMed ID: 37734845). This variant has also been reported with a second ABCA4 variant of unknown phase in an individual with Leber congenital amaurosis who also harbored biallelic loss-of-function variants in the CEP290 gene (Eisenberger et al. 2013. PubMed ID: 24265693) and in an individual with retinitis pigmentosa with intellectual disability who was heterozygous for a pathogenic HK1 variant (Walfram et al. 2025. PubMed ID: 40269797). Alternate missense substitutions affecting the same amino acid (p.Ala1881Gly and p.Ala1881Asp) have also been reported in individuals with retinal disease (Supplemental Table, Patel et al. 2015. PubMed ID: 26355662; Table S1, Fenner et al. 2024. PubMed ID: 38309476). This variant is present in 0.014% of alleles in individuals of Latino descent in gnomAD and it has been classified as pathogenic or likely pathogenic by other institutions in ClinVar (Variation ID: 853893). Given the evidence, we interpret this variant as likely pathogenic.

Labcorp Genetics (formerly Invitae), Labcorp
Classification: Pathogenic. Last evaluated: 2025-12-02. Review status: criteria provided, single submitter. Criteria: Invitae Variant Classification Sherloc (09022015). Collection method: clinical testing. Allele origin: germline.
Comment: This sequence change replaces alanine, which is neutral and non-polar, with valine, which is neutral and non-polar, at codon 1881 of the ABCA4 protein (p.Ala1881Val). This variant is present in population databases (rs369973540, gnomAD 0.02%). This missense change has been observed in individual(s) with Stargardt disease (PMID: 22661472, 30060493; internal data). In at least one individual the data is consistent with being in trans (on the opposite chromosome) from a pathogenic variant. ClinVar contains an entry for this variant (Variation ID: 853893). Invitae Evidence Modeling of protein sequence and biophysical properties (such as structural, functional, and spatial information, amino acid conservation, physicochemical variation, residue mobility, and thermodynamic stability) indicates that this missense variant is expected to disrupt ABCA4 protein function with a positive predictive value of 80%. This variant disrupts the p.Ala1881 amino acid residue in ABCA4. Other variant(s) that disrupt this residue have been observed in individuals with ABCA4-related conditions (PMID: 26355662), which suggests that this may be a clinically significant amino acid residue. For these reasons, this variant has been classified as Pathogenic.

3billion
Classification: Likely pathogenic for Severe early-childhood-onset retinal dystrophy. Last evaluated: 2025-02-14. Review status: criteria provided, single submitter. Criteria: ACMG Guidelines, 2015. Collection method: clinical testing. Allele origin: germline. Affected: yes.
Comment: The variant is observed at an extremely low frequency in the gnomAD v4.1.0 dataset (total allele frequency: 0.012%). Predicted Consequence/Location: Missense variant In silico tool predictions suggest damaging effect of the variant on gene or gene product [REVEL: 0.66 (>=0.6, sensitivity 0.68 and specificity 0.92); 3Cnet: 0.55 (>=0.6, sensitivity 0.72 and precision 0.9)]. The same nucleotide change resulting in the same amino acid change has been previously reported as pathogenic/likely pathogenic with strong evidence (ClinVar ID: VCV000853893 /3billion dataset). Different missense changes at the same codon (p.Ala1881Asp, p.Ala1881Gly) have been reported to be associated with ABCA4-related disorder (ClinVar ID: VCV000957618, VCV000978987 /PMID: 26355662). Therefore, this variant is classified as Likely pathogenic according to the recommendation of ACMG/AMP guideline.

Blueprint Genetics
Classification: Likely pathogenic for ABCA4-related disorders. Last evaluated: 2024-08-26. Review status: criteria provided, single submitter. Criteria: ACMG Guidelines, 2015. Collection method: clinical testing. Allele origin: germline. Affected: yes. Observed: 5 variant alleles.

Fulgent Genetics
Classification: Likely pathogenic for Age related macular degeneration 2; Severe early-childhood-onset retinal dystrophy; Retinitis pigmentosa 19; Cone-rod dystrophy 3. Last evaluated: 2024-04-23. Review status: criteria provided, single submitter. Criteria: ACMG Guidelines, 2015. Collection method: clinical testing. Allele origin: germline.

Institute of Medical Genetics and Applied Genomics, University Hospital Tübingen
Classification: Likely pathogenic. Last evaluated: 2020-10-23. Review status: criteria provided, single submitter. Criteria: ACMG Guidelines, 2015. Collection method: clinical testing. Allele origin: germline. Inheritance: Autosomal recessive inheritance. Affected: yes.

Victorian Clinical Genetics Services, Murdoch Childrens Research Institute
Classification: Likely pathogenic for Cone-rod dystrophy 3. Last evaluated: 2020-10-19. Review status: criteria provided, single submitter. Criteria: ACMG Guidelines, 2015. Collection method: clinical testing. Allele origin: germline. Inheritance: Autosomal recessive inheritance. Affected: yes.
Comment: Based on the classification scheme VCGS_Germline_v1.3.3, this variant is classified as Likely pathogenic. Following criteria are met: 0102 - Loss of function is a known mechanism of disease in this gene and is associated with Stargardt disease (MIM#248200). (I) 0106 - This gene is associated with autosomal recessive disease (OMIM). (I) 0200 - Variant is predicted to result in a missense amino acid change from alanine to valine. (I) 0251 - This variant is heterozygous. (I) 0304 - Variant is present in gnomAD <0.01 for a recessive condition (21 heterozygotes, 0 homozygotes). (SP) 0501 - Missense variant consistently predicted to be damaging by multiple in silico tools or highly conserved with a major amino acid change. (SP) 0600 - Variant is located in the annotated ABC-2 family transporter protein domain (Decipher). (I) 0704 - Another missense variant (p.(Ala1881Gly)) comparable to the one identified in this case has limited previous evidence for pathogenicity, and has previously been reported in a patient with retinitis pigmentosa and cone-rod dystrophy (PMID: 26355662). (SP) 0802 - This variant has moderate previous evidence of pathogenicity in unrelated individuals with Stargardt disease (Clinvar, PMID: 22661472, PMID: 30060493). (SP) 1007 - No published functional evidence has been identified for this variant. (I) Legend: (SP) - Supporting pathogenic, (I) - Information, (SB) - Supporting benign

Institute of Human Genetics, Univ. Regensburg, Univ. Regensburg
Classification: Likely pathogenic for Retinal dystrophy. Last evaluated: 2018-01-01. Review status: criteria provided, single submitter. Criteria: ACMG Guidelines, 2015. Collection method: clinical testing. Allele origin: germline. Affected: yes.

Literature cited by the submitters: PubMed 22661472 (cited by 3 submitters); PubMed 30060493 (cited by Labcorp Genetics (formerly Invitae), Labcorp and Victorian Clinical Genetics Services, Murdoch Childrens Research Institute); PubMed 26355662 (cited by 3 submitters); PubMed 24265693 (cited by Institute of Human Genetics, Univ. Regensburg, Univ. Regensburg); PubMed 31964843 (cited by Institute of Human Genetics, Univ. Regensburg, Univ. Regensburg); PubMed 32307445 (cited by Institute of Human Genetics, Univ. Regensburg, Univ. Regensburg); PubMed 36460718 (cited by Institute of Human Genetics, Univ. Regensburg, Univ. Regensburg); PubMed 34996991 (cited by Institute of Human Genetics, Univ. Regensburg, Univ. Regensburg).

NM_000350.3(ABCA4):c.5642C>T (p.Ala1881Val)

Gene: ABCA4 (ATP binding cassette subfamily A member 4; minus strand). Cytogenetic location: 1p22.1.
Variant type: single nucleotide variant.
Coding change: c.5642C>T on transcript NM_000350.3 (MANE Select); coding-DNA position 5642, C replaced by T.
Protein change: p.Ala1881Val; replaces alanine 1881 with valine.
Molecular consequence: missense variant.
Genome position (GRCh38, 1-based): chr1:94,010,872, G>A on the plus strand (C>T on the coding strand, the complement: ABCA4 is on the minus strand). VCF-style: chr1-94010872-G-A. GRCh37 (hg19) VCF-style: chr1-94476428-G-A.
Other names: c.5420C>T, p.Ala1807Val (NM_001425324.1); short protein forms A1881V, A1807V.
Identifiers: ClinVar variation 853893 (VCV000853893.20), dbSNP rs369973540, ClinGen allele CA957186.
Genomic context (GRCh38, chr1:94,010,872, plus strand): 5'-AAGAAGTGGCGCTGGACCAGCAGGGTCAGGAGGAAGTACACCACCCCTTCCACCACCATG[G>A]CAAACAGGTTCTTCCCAATCAGGTCCCAGTGGAACGGATTTGCAGAGTGCTCCTCACCTG-3'
Protein context (NP_000341.2, residues 1871-1891): HWDLIGKNLF[Ala1881Val]MVVEGVVYFL